The following is an entry in ClinVar:

NM_153816.6(SNX14):c.2674G>A (p.Gly892Ser)

Gene: SNX14 (sorting nexin 14; minus strand). Cytogenetic location: 6q14.3.
Variant type: single nucleotide variant.
Coding change: c.2674G>A on transcript NM_153816.6 (MANE Select); coding-DNA position 2674, G replaced by A.
Protein change: p.Gly892Ser; replaces glycine 892 with serine.
Molecular consequence: missense variant. On other transcripts: non-coding transcript variant (6).
Genome position (GRCh38, 1-based): chr6:85,508,039, C>T on the plus strand (G>A on the coding strand, the complement: SNX14 is on the minus strand). VCF-style: chr6-85508039-C-T. GRCh37 (hg19) VCF-style: chr6-86217757-C-T.
Other names: c.2647G>A, p.Gly883Ser (NM_001297614.3); c.2518G>A, p.Gly840Ser (NM_001304479.2); c.2737G>A, p.Gly913Ser (NM_001350532.2); c.2671G>A, p.Gly891Ser (NM_001350533.2, NM_001350535.2); c.2644G>A, p.Gly882Ser (NM_001350534.2); c.2542G>A, p.Gly848Ser (NM_001350536.2); c.2539G>A, p.Gly847Ser (NM_001350537.2); c.2530G>A, p.Gly844Ser (NM_001350538.2); and 10 more; short protein forms G837S, G883S, G891S, G498S, G507S, G542S, G839S, G847S.
Identifiers: ClinVar variation 1027832 (VCV001027832.1), dbSNP rs758491411, ClinGen allele CA3911798.

ClinVar aggregate classification (germline): Uncertain significance (1 of 4 stars; one submission).

Conditions:
Autosomal recessive spinocerebellar ataxia 20. Identifiers: Orphanet 397709, MedGen C5190595, MONDO:0014601, OMIM 616354.

Allele frequency attached by ClinVar (database versions not stated): gnomAD exomes 0.00001.
gnomAD v4.1: 1 of 1,612,360 alleles (0.000062%); highest among the groups gnomAD compares: Admixed American, 0.0017%; no homozygotes.

Submission:

Baylor Genetics
Classification: Uncertain significance for Autosomal recessive spinocerebellar ataxia 20. Last evaluated: 2019-02-15. Review status: criteria provided, single submitter. Criteria: ACMG Guidelines, 2015. Collection method: clinical testing. Allele origin: paternal. Affected: yes.
Comment: This variant was determined to be of uncertain significance according to ACMG Guidelines, 2015 [PMID:25741868].